The following is an entry in ClinVar:

GRCh37/hg19 Xq26.3(chrX:134314878-134797939)x3

Genes: INTS6L (integrator complex subunit 6 like; plus strand), ZNF449 (zinc finger protein 449; plus strand), ZNF75D (zinc finger protein 75D; minus strand). Cytogenetic location: Xq26.3.
Variant type: copy number gain.
Change: copy number 3 of chrX:134,314,878-134,797,939 (483.1 kb, GRCh37 coordinates, 1-based), cytogenetic band Xq26.3.
Identifiers: ClinVar variation 929365 (VCV000929365.2).

ClinVar aggregate classification (germline): Uncertain significance (1 of 4 stars; one submission).

Submission:

Clinical Genomics Laboratory, Laboratory for Precision Diagnostics, University of Washington
Classification: Uncertain significance. Last evaluated: 2019-05-25. Review status: criteria provided, single submitter. Criteria: Clinical Cytogenomics Laboratory Policy on CNV Interpretation. Collection method: clinical testing. Allele origin: unknown. Affected: yes. Observed: 1 variant allele.